The following is an entry in ClinVar:

NM_005751.5(AKAP9):c.3495C>G (p.His1165Gln)

Gene: AKAP9 (A-kinase anchoring protein 9; plus strand). Cytogenetic location: 7q21.2.
Variant type: single nucleotide variant.
Coding change: c.3495C>G on transcript NM_005751.5 (MANE Select); coding-DNA position 3495, C replaced by G.
Protein change: p.His1165Gln; replaces histidine 1165 with glutamine.
Molecular consequence: missense variant.
Genome position (GRCh38, 1-based): chr7:92,012,605, C>G. VCF-style: chr7-92012605-C-G. GRCh37 (hg19) VCF-style: chr7-91641919-C-G.
Other names: c.3495C>G (NM_005751.4); c.3495C>G, p.His1165Gln (NM_147185.3); short protein forms H1165Q.
Identifiers: ClinVar variation 1019103 (VCV001019103.9), dbSNP rs1800906846, ClinGen allele CA368126129.

ClinVar aggregate classification (germline): Uncertain significance. Review status: criteria provided, multiple submitters, no conflicts (2 of 4 stars). 2 submissions from 2 submitters: Uncertain significance (2). Last evaluated 2025-08-30.

Conditions:
Long QT syndrome (LQTS). Identifiers: MedGen C0023976, MeSH D008133, MONDO:0002442. Disease mechanism: loss of function. Inheritance: Various modes of inheritance.
Cardiovascular phenotype. Identifiers: MedGen CN230736.

gnomAD v4.1: 10 of 1,613,088 alleles (0.00062%); highest among the groups gnomAD compares: Admixed American, 0.0017%; no homozygotes.

Submissions (2):

Ambry Genetics
Classification: Uncertain significance for Cardiovascular phenotype. Last evaluated: 2025-08-30. Review status: criteria provided, single submitter. Criteria: Ambry Variant Classification Scheme 2023. Collection method: clinical testing. Allele origin: germline.

Labcorp Genetics (formerly Invitae), Labcorp
Classification: Uncertain significance for Long QT syndrome. Last evaluated: 2025-04-09. Review status: criteria provided, single submitter. Criteria: Invitae Variant Classification Sherloc (09022015). Collection method: clinical testing. Allele origin: germline.
Comment: This sequence change replaces histidine, which is basic and polar, with glutamine, which is neutral and polar, at codon 1165 of the AKAP9 protein (p.His1165Gln). This variant is not present in population databases (gnomAD no frequency). This variant has not been reported in the literature in individuals affected with AKAP9-related conditions. ClinVar contains an entry for this variant (Variation ID: 1019103). An algorithm developed to predict the effect of missense changes on protein structure and function (PolyPhen-2) suggests that this variant is likely to be tolerated. In summary, the available evidence is currently insufficient to determine the role of this variant in disease. Therefore, it has been classified as a Variant of Uncertain Significance.